The following is an entry in ClinVar:

NM_001130009.3(GEN1):c.1295G>A (p.Gly432Glu)

Gene: GEN1 (GEN1 structure-specific endonuclease; plus strand). Cytogenetic location: 2p24.2.
Variant type: single nucleotide variant.
Coding change: c.1295G>A on transcript NM_001130009.3 (MANE Select); coding-DNA position 1295, G replaced by A.
Protein change: p.Gly432Glu; replaces glycine 432 with glutamic acid.
Molecular consequence: missense variant.
Genome position (GRCh38, 1-based): chr2:17,780,008, G>A. VCF-style: chr2-17780008-G-A. GRCh37 (hg19) VCF-style: chr2-17961275-G-A.
Other names: c.1295G>A, p.Gly432Glu (NM_182625.5); short protein forms G432E.
Identifiers: ClinVar variation 1524757 (VCV001524757.6), dbSNP rs777855155, ClinGen allele CA1540741.
Genomic context (GRCh38, chr2:17,780,008, plus strand): 5'-GGACACTTTGCTGTATTTTTAATCTTTTAGAACATTATGCTATGGAAGATAAACAACATG[G>A]AGAATTTGCTTTATTAACAATTGAGGAAGAATCATTGTTTGAAGCAGCATATCCTGAGAT-3'
Protein context (NP_001123481.3, residues 422-442): EHYAMEDKQH[Gly432Glu]EFALLTIEEE

ClinVar aggregate classification (germline): Uncertain significance (1 of 4 stars; one submission).

Allele frequency attached by ClinVar (database versions not stated): gnomAD 0.00001; gnomAD exomes 0.00002 and 0.00004; TOPMed 0.00002; ExAC 0.00004.
gnomAD v4.1: 23 of 1,600,888 alleles (0.0014%); highest among the groups gnomAD compares: East Asian, 0.051%; 1 homozygote.

Submission:

Labcorp Genetics (formerly Invitae), Labcorp
Classification: Uncertain significance. Last evaluated: 2025-05-28. Review status: criteria provided, single submitter. Criteria: Invitae Variant Classification Sherloc (09022015). Collection method: clinical testing. Allele origin: germline.
Comment: This sequence change replaces glycine, which is neutral and non-polar, with glutamic acid, which is acidic and polar, at codon 432 of the GEN1 protein (p.Gly432Glu). This variant is present in population databases (rs777855155, gnomAD 0.05%). This variant has not been reported in the literature in individuals affected with GEN1-related conditions. ClinVar contains an entry for this variant (Variation ID: 1524757). An algorithm developed to predict the effect of missense changes on protein structure and function outputs the following: PolyPhen-2: "Benign". The glutamic acid amino acid residue is found in multiple mammalian species, which suggests that this missense change does not adversely affect protein function. In summary, the available evidence is currently insufficient to determine the role of this variant in disease. Therefore, it has been classified as a Variant of Uncertain Significance.